The following is an entry in ClinVar:

NM_006245.4(PPP2R5D):c.13C>T (p.Leu5=)

Gene: PPP2R5D (protein phosphatase 2 regulatory subunit B'delta; plus strand). Cytogenetic location: 6p21.1.
Variant type: single nucleotide variant.
Coding change: c.13C>T on transcript NM_006245.4 (MANE Select); coding-DNA position 13, C replaced by T.
Protein change: p.Leu5=; no amino-acid change (leucine 5 retained).
Molecular consequence: synonymous variant. On other transcripts: 5 prime UTR variant (1).
Genome position (GRCh38, 1-based): chr6:42,984,690, C>T. VCF-style: chr6-42984690-C-T. GRCh37 (hg19) VCF-style: chr6-42952428-C-T.
Other names: c.-458C>T (NM_001270476.2); c.13C>T, p.Leu5= (NM_180976.3, NM_180977.3).
Identifiers: ClinVar variation 2502796 (VCV002502796.1), dbSNP rs752038217, ClinGen allele CA3811693.

ClinVar aggregate classification (germline): Uncertain significance (1 of 4 stars; one submission).

Allele frequency attached by ClinVar (database versions not stated): ExAC 0.00002.

Submission:

GeneDx
Classification: Uncertain significance. Last evaluated: 2022-11-21. Review status: criteria provided, single submitter. Criteria: GeneDx Variant Classification Process June 2021. Collection method: clinical testing. Allele origin: germline. Affected: yes.
Comment: In silico analysis supports that this variant does not alter splicing; Has not been previously published as pathogenic or benign to our knowledge